The following is an entry in ClinVar:

ClinVar aggregate classification (germline): Uncertain significance. Review status: criteria provided, multiple submitters, no conflicts (2 of 4 stars). 2 submissions from 2 submitters: Uncertain significance (2). Last evaluated 2026-09-11.

Conditions:
Inborn genetic diseases. Identifiers: MedGen C0950123, MeSH D030342.

Allele frequency attached by ClinVar (database versions not stated): gnomAD 0.00001; gnomAD exomes 0.00001; TOPMed below 0.00001.
gnomAD v4.1: 13 of 1,192,970 alleles (0.0011%); highest among the groups gnomAD compares: Non-Finnish European, 0.0008%; no homozygotes.

Submissions (2):

Ambry Genetics
Classification: Uncertain significance for Inborn genetic diseases. Last evaluated: 2026-09-11. Review status: criteria provided, single submitter. Criteria: Ambry Variant Classification Scheme 2023. Collection method: clinical testing. Allele origin: germline.

Labcorp Genetics (formerly Invitae), Labcorp
Classification: Uncertain significance. Last evaluated: 2024-12-05. Review status: criteria provided, single submitter. Criteria: Invitae Variant Classification Sherloc (09022015). Collection method: clinical testing. Allele origin: germline.
Comment: This sequence change replaces leucine, which is neutral and non-polar, with valine, which is neutral and non-polar, at codon 753 of the POLA1 protein (p.Leu753Val). This variant is not present in population databases (gnomAD no frequency). This variant has not been reported in the literature in individuals affected with POLA1-related conditions. ClinVar contains an entry for this variant (Variation ID: 2918578). Invitae Evidence Modeling of protein sequence and biophysical properties (such as structural, functional, and spatial information, amino acid conservation, physicochemical variation, residue mobility, and thermodynamic stability) indicates that this missense variant is not expected to disrupt POLA1 protein function with a negative predictive value of 80%. In summary, the available evidence is currently insufficient to determine the role of this variant in disease. Therefore, it has been classified as a Variant of Uncertain Significance.

NM_001330360.2(POLA1):c.2275T>G (p.Leu759Val)

Gene: POLA1 (DNA polymerase alpha 1, catalytic subunit; plus strand). Cytogenetic location: Xp22.11.
Variant type: single nucleotide variant.
Coding change: c.2275T>G on transcript NM_001330360.2 (MANE Select); coding-DNA position 2275, T replaced by G.
Protein change: p.Leu759Val; replaces leucine 759 with valine.
Molecular consequence: missense variant. On other transcripts: non-coding transcript variant (2).
Genome position (GRCh38, 1-based): chrX:24,741,433, T>G. VCF-style: chrX-24741433-T-G. GRCh37 (hg19) VCF-style: chrX-24759550-T-G.
Other names: c.2257T>G (NM_016937.3); c.2200T>G, p.Leu734Val (NM_001378303.1); c.2257T>G, p.Leu753Val (NM_016937.4); short protein forms L734V, L753V, L759V.
Identifiers: ClinVar variation 2918578 (VCV002918578.4), dbSNP rs1250719603, ClinGen allele CA412536123.